The following is an entry in ClinVar:

ClinVar aggregate classification (germline): Uncertain significance (1 of 4 stars; one submission).

Submission:

GeneDx
Classification: Uncertain significance. Last evaluated: 2022-10-03. Review status: criteria provided, single submitter. Criteria: GeneDx Variant Classification Process June 2021. Collection method: clinical testing. Allele origin: germline. Affected: yes.
Comment: Not observed at significant frequency in large population cohorts (gnomAD); In silico analysis supports that this missense variant does not alter protein structure/function; Has not been previously published as pathogenic or benign to our knowledge

NM_002025.4(AFF2):c.1675C>A (p.Pro559Thr)

Gene: AFF2 (ALF transcription elongation factor 2; plus strand). Cytogenetic location: Xq28.
Variant type: single nucleotide variant.
Coding change: c.1675C>A on transcript NM_002025.4 (MANE Select); coding-DNA position 1675, C replaced by A.
Protein change: p.Pro559Thr; replaces proline 559 with threonine.
Molecular consequence: missense variant.
Genome position (GRCh38, 1-based): chrX:148,955,720, C>A. VCF-style: chrX-148955720-C-A. GRCh37 (hg19) VCF-style: chrX-148037250-C-A.
Other names: c.1576C>A, p.Pro526Thr (NM_001169122.2); c.1645C>A, p.Pro549Thr (NM_001169123.2); c.1570C>A, p.Pro524Thr (NM_001169124.2); c.1558C>A, p.Pro520Thr (NM_001169125.2); c.598C>A, p.Pro200Thr (NM_001170628.1); short protein forms P200T, P520T, P524T, P526T, P549T, P559T.
Identifiers: ClinVar variation 2497812 (VCV002497812.1), dbSNP rs2521890749, ClinGen allele CA414513019.